The following is an entry in ClinVar:

NM_020839.4(WDR48):c.1884A>G (p.Glu628=)

Gene: WDR48 (WD repeat domain 48; plus strand). Cytogenetic location: 3p22.2.
Variant type: single nucleotide variant.
Coding change: c.1884A>G on transcript NM_020839.4 (MANE Select); coding-DNA position 1884, A replaced by G.
Protein change: p.Glu628=; no amino-acid change (glutamic acid 628 retained).
Molecular consequence: synonymous variant. On other transcripts: non-coding transcript variant (3).
Genome position (GRCh38, 1-based): chr3:39,094,012, A>G. VCF-style: chr3-39094012-A-G. GRCh37 (hg19) VCF-style: chr3-39135503-A-G.
Other names: c.1638A>G, p.Glu546= (NM_001303402.2); c.1857A>G, p.Glu619= (NM_001303403.2); c.1998A>G, p.Glu666= (NM_001346225.2); c.1713A>G, p.Glu571= (NM_001346226.2); c.1359A>G, p.Glu453= (NM_001346227.2); c.1674A>G, p.Glu558= (NM_001346228.2).
Identifiers: ClinVar variation 3040601 (VCV003040601.2), dbSNP rs978810499, ClinGen allele CA72967201.

ClinVar aggregate classification (germline): Likely benign (0 of 4 stars; one submission).

Conditions:
WDR48-related disorder. Also called: WDR48-related condition.

Allele frequency attached by ClinVar (database versions not stated): gnomAD exomes 0.00001.
gnomAD v4.1: 24 of 1,614,144 alleles (0.0015%); highest among the groups gnomAD compares: Middle Eastern, 0.033%; no homozygotes.

Submission:

PreventionGenetics, part of Exact Sciences
Classification: Likely benign for WDR48-related condition. Last evaluated: 2019-09-18. Review status: no assertion criteria provided. Collection method: clinical testing. Allele origin: germline.
Comment: This variant is classified as likely benign based on ACMG/AMP sequence variant interpretation guidelines (Richards et al. 2015 PMID: 25741868, with internal and published modifications).